The following is an entry in ClinVar:

NM_001148.6(ANK2):c.4769A>C (p.Glu1590Ala)

Gene: ANK2 (ankyrin 2; plus strand). Cytogenetic location: 4q26.
Variant type: single nucleotide variant.
Coding change: c.4769A>C on transcript NM_001148.6 (MANE Select); coding-DNA position 4769, A replaced by C.
Protein change: p.Glu1590Ala; replaces glutamic acid 1590 with alanine.
Molecular consequence: missense variant. On other transcripts: intron variant (68).
Genome position (GRCh38, 1-based): chr4:113,353,387, A>C. VCF-style: chr4-113353387-A-C. GRCh37 (hg19) VCF-style: chr4-114274543-A-C.
Other names: c.4535A>C, p.Glu1512Ala (NM_001386142.1); c.1169A>C, p.Glu390Ala (NM_001386166.1); c.4910A>C, p.Glu1637Ala (NM_001386174.1); c.4886A>C, p.Glu1629Ala (NM_001386175.1); c.4411+3138A>C (NM_001386186.2, NM_001386148.2); c.4213+3138A>C (NM_001354269.3); c.4291+3138A>C (NM_001386187.2); c.4252+3138A>C (NM_001386147.1); and 35 more; short protein forms E1637A, E390A, E1590A, E1512A, E1629A.
Identifiers: ClinVar variation 2195429 (VCV002195429.5), dbSNP rs2095538080, ClinGen allele CA357916613.

ClinVar aggregate classification (germline): Uncertain significance. Review status: criteria provided, multiple submitters, no conflicts (2 of 4 stars). 2 submissions from 2 submitters: Uncertain significance (2). Last evaluated 2025-09-17.

Conditions:
Cardiovascular phenotype. Identifiers: MedGen CN230736.
Long QT syndrome (LQTS). Identifiers: MedGen C0023976, MeSH D008133, MONDO:0002442. Disease mechanism: loss of function. Inheritance: Various modes of inheritance.

Allele frequency attached by ClinVar (database versions not stated): gnomAD exomes below 0.00001; gnomAD 0.00001.
gnomAD v4.1: 2 of 1,614,014 alleles (0.00012%); highest among the groups gnomAD compares: Non-Finnish European, 0.00017%; no homozygotes.

Submissions (2):

Ambry Genetics
Classification: Uncertain significance for Cardiovascular phenotype. Last evaluated: 2025-09-17. Review status: criteria provided, single submitter. Criteria: Ambry Variant Classification Scheme 2023. Collection method: clinical testing. Allele origin: germline.
Comment: The p.E1590A variant (also known as c.4769A>C), located in coding exon 38 of the ANK2 gene, results from an A to C substitution at nucleotide position 4769. The glutamic acid at codon 1590 is replaced by alanine, an amino acid with dissimilar properties. This amino acid position is conserved. In addition, this alteration is predicted to be tolerated by in silico analysis. Based on the available evidence, the clinical significance of this variant remains unclear.

Labcorp Genetics (formerly Invitae), Labcorp
Classification: Uncertain significance for Long QT syndrome. Last evaluated: 2025-01-06. Review status: criteria provided, single submitter. Criteria: Invitae Variant Classification Sherloc (09022015). Collection method: clinical testing. Allele origin: germline.
Comment: This sequence change replaces glutamic acid, which is acidic and polar, with alanine, which is neutral and non-polar, at codon 1590 of the ANK2 protein (p.Glu1590Ala). This variant is not present in population databases (gnomAD no frequency). This variant has not been reported in the literature in individuals affected with ANK2-related conditions. ClinVar contains an entry for this variant (Variation ID: 2195429). An algorithm developed to predict the effect of missense changes on protein structure and function (PolyPhen-2) suggests that this variant is likely to be disruptive. In summary, the available evidence is currently insufficient to determine the role of this variant in disease. Therefore, it has been classified as a Variant of Uncertain Significance.